The following is an entry in ClinVar:

NM_213595.4(ISCU):c.32G>C (p.Arg11Pro)

Gene: ISCU (iron-sulfur cluster assembly enzyme; plus strand). Cytogenetic location: 12q23.3.
Variant type: single nucleotide variant.
Coding change: c.32G>C on transcript NM_213595.4 (MANE Select); coding-DNA position 32, G replaced by C.
Protein change: p.Arg11Pro; replaces arginine 11 with proline.
Molecular consequence: missense variant. On other transcripts: 5 prime UTR variant (1), non-coding transcript variant (1).
Genome position (GRCh38, 1-based): chr12:108,562,654, G>C. VCF-style: chr12-108562654-G-C. GRCh37 (hg19) VCF-style: chr12-108956430-G-C.
Other names: c.32G>C, p.Arg11Pro (NM_001301140.1, NM_001301141.1, NM_001320042.1); c.-140G>C (NM_014301.4); short protein forms R11P.
Identifiers: ClinVar variation 1406161 (VCV001406161.9), dbSNP rs550874413, ClinGen allele CA6768699.

ClinVar aggregate classification (germline): Uncertain significance. Review status: criteria provided, multiple submitters, no conflicts (2 of 4 stars). 3 submissions from 3 submitters: Uncertain significance (3). Last evaluated 2026-01-06.

Conditions:
Inborn genetic diseases. Identifiers: MedGen C0950123, MeSH D030342.

Allele frequency attached by ClinVar (database versions not stated): TOPMed 0.00011; gnomAD 0.00011.
gnomAD v4.1: 349 of 1,460,934 alleles (0.024%); highest among the groups gnomAD compares: Non-Finnish European, 0.03%; 2 homozygotes.

Submissions (3):

GeneDx
Classification: Uncertain significance. Last evaluated: 2026-01-06. Review status: criteria provided, single submitter. Criteria: GeneDx Variant Classification Process June 2021. Collection method: clinical testing. Allele origin: germline. Affected: yes.
Comment: In silico analysis suggests that this missense variant does not alter protein structure/function; Has not been previously published as pathogenic or benign to our knowledge

Ambry Genetics
Classification: Uncertain significance for Inborn genetic diseases. Last evaluated: 2025-09-28. Review status: criteria provided, single submitter. Criteria: Ambry Variant Classification Scheme 2023. Collection method: clinical testing. Allele origin: germline.

Labcorp Genetics (formerly Invitae), Labcorp
Classification: Uncertain significance. Last evaluated: 2022-07-06. Review status: criteria provided, single submitter. Criteria: Invitae Variant Classification Sherloc (09022015). Collection method: clinical testing. Allele origin: germline.
Comment: This sequence change replaces arginine, which is basic and polar, with proline, which is neutral and non-polar, at codon 11 of the ISCU protein (p.Arg11Pro). This variant is present in population databases (rs550874413, gnomAD 0.02%). This variant has not been reported in the literature in individuals affected with ISCU-related conditions. ClinVar contains an entry for this variant (Variation ID: 1406161). Algorithms developed to predict the effect of missense changes on protein structure and function are either unavailable or do not agree on the potential impact of this missense change (SIFT: "Tolerated"; PolyPhen-2: "Not Available"; Align-GVGD: "Class C0"). In summary, the available evidence is currently insufficient to determine the role of this variant in disease. Therefore, it has been classified as a Variant of Uncertain Significance.